The following is an entry in ClinVar:

NM_000540.3(RYR1):c.4065del (p.Ala1356fs)

Gene: RYR1 (ryanodine receptor 1; plus strand). Cytogenetic location: 19q13.2.
Variant type: Deletion.
Coding change: c.4065del on transcript NM_000540.3 (MANE Select); coding-DNA position 4065, one base deleted (C; older notation c.4065delC).
Protein change: p.Ala1356fs; shifts the reading frame from alanine 1356.
Molecular consequence: frameshift variant.
Genome position (GRCh38, 1-based): chr19:38,473,676, C deleted. VCF-style (leftmost placement, unchanged base first): chr19-38473675-GC-G. GRCh37 (hg19) VCF-style: chr19-38964315-GC-G.
Other names: c.4065del, p.Ala1356fs (NM_001042723.2); short protein forms A1356fs.
Identifiers: ClinVar variation 2885196 (VCV002885196.3), dbSNP rs2514149162, ClinGen allele CA2739276814.

ClinVar aggregate classification (germline): Pathogenic (1 of 4 stars; one submission).

Conditions:
RYR1-related disorder. Also called: RYR1-related condition; RYR1-related disorders. Identifiers: MedGen CN239331.

Submission:

Labcorp Genetics (formerly Invitae), Labcorp
Classification: Pathogenic for RYR1-related disorder. Last evaluated: 2023-05-15. Review status: criteria provided, single submitter. Criteria: Invitae Variant Classification Sherloc (09022015). Collection method: clinical testing. Allele origin: germline.
Comment: This sequence change creates a premature translational stop signal (p.Ala1356Profs*42) in the RYR1 gene. It is expected to result in an absent or disrupted protein product. Loss-of-function variants in RYR1 are known to be pathogenic (PMID: 23919265, 25960145, 28818389, 30611313). This variant is not present in population databases (gnomAD no frequency). This variant has not been reported in the literature in individuals affected with RYR1-related conditions. For these reasons, this variant has been classified as Pathogenic.

Literature cited by the submitters: PubMed 23919265; PubMed 25960145; PubMed 28818389; PubMed 30611313.